The following is an entry in ClinVar:

NM_005245.4(FAT1):c.2141C>T (p.Pro714Leu)

Gene: FAT1 (FAT atypical cadherin 1; minus strand). Cytogenetic location: 4q35.2.
Variant type: single nucleotide variant.
Coding change: c.2141C>T on transcript NM_005245.4 (MANE Select); coding-DNA position 2141, C replaced by T.
Protein change: p.Pro714Leu; replaces proline 714 with leucine.
Molecular consequence: missense variant.
Genome position (GRCh38, 1-based): chr4:186,707,687, G>A on the plus strand (C>T on the coding strand, the complement: FAT1 is on the minus strand). VCF-style: chr4-186707687-G-A. GRCh37 (hg19) VCF-style: chr4-187628841-G-A.
Other names: short protein forms P714L.
Identifiers: ClinVar variation 2159163 (VCV002159163.1), dbSNP rs200579335, ClinGen allele CA3167314.

ClinVar aggregate classification (germline): Uncertain significance (1 of 4 stars; one submission).

Allele frequency attached by ClinVar (database versions not stated): ExAC 0.00007; gnomAD 0.00007; TOPMed 0.00009; gnomAD exomes 0.00013; ESP Exome Variant Server 0.00033.
gnomAD v4.1: 211 of 1,613,748 alleles (0.013%); highest among the groups gnomAD compares: Non-Finnish European, 0.017%; no homozygotes.

Submission:

Labcorp Genetics (formerly Invitae), Labcorp
Classification: Uncertain significance. Last evaluated: 2022-09-06. Review status: criteria provided, single submitter. Criteria: Invitae Variant Classification Sherloc (09022015). Collection method: clinical testing. Allele origin: germline.
Comment: This sequence change replaces proline, which is neutral and non-polar, with leucine, which is neutral and non-polar, at codon 714 of the FAT1 protein (p.Pro714Leu). This variant is present in population databases (rs200579335, gnomAD 0.01%). This variant has not been reported in the literature in individuals affected with FAT1-related conditions. Algorithms developed to predict the effect of missense changes on protein structure and function (SIFT, PolyPhen-2, Align-GVGD) all suggest that this variant is likely to be disruptive. In summary, the available evidence is currently insufficient to determine the role of this variant in disease. Therefore, it has been classified as a Variant of Uncertain Significance.